The following is an entry in ClinVar:

NM_000553.6(WRN):c.1105C>T (p.Arg369Ter)

Gene: WRN (WRN RecQ like helicase; plus strand). Cytogenetic location: 8p12.
Variant type: single nucleotide variant.
Coding change: c.1105C>T on transcript NM_000553.6 (MANE Select); coding-DNA position 1105, C replaced by T.
Protein change: p.Arg369Ter; replaces arginine 369 with a stop codon.
Molecular consequence: nonsense.
Genome position (GRCh38, 1-based): chr8:31,081,132, C>T. VCF-style: chr8-31081132-C-T. GRCh37 (hg19) VCF-style: chr8-30938648-C-T.
Other names: R368*; short protein forms R369*.
Identifiers: ClinVar variation 5449 (VCV000005449.38), dbSNP rs17847577, ClinGen allele CA340413.

ClinVar aggregate classification (germline): Pathogenic/Likely pathogenic. Review status: criteria provided, multiple submitters, no conflicts (2 of 4 stars). 18 submissions from 18 submitters: Pathogenic (12); Likely pathogenic (2). 4 of the submissions do not count toward it. Last evaluated 2026-08-12.

Conditions:
WRN-related disorder. Also called: WRN-related condition.
Medulloblastoma (MDB). Also called: Medulloblastoma, somatic; MEDULLOBLASTOMA PREDISPOSITION SYNDROME. Identifiers: Orphanet 616, MedGen C0025149, MeSH D008527, MONDO:0007959, OMIM 155255, HP:0002885.
Werner syndrome (WRN). Identifiers: Orphanet 902, MedGen C0043119, MONDO:0010196, OMIM 277700.

Allele frequency attached by ClinVar (database versions not stated): gnomAD exomes 0.00025 and 0.00017; gnomAD 0.00031 and 0.00033; ExAC 0.00019; TOPMed 0.00037.
gnomAD v4.1: 411 of 1,613,510 alleles (0.025%); highest among the groups gnomAD compares: Admixed American, 0.033%; no homozygotes.

Submissions (18):

PreventionGenetics, part of Exact Sciences
Classification: Pathogenic for WRN-related condition. Last evaluated: 2026-08-12. Review status: criteria provided, single submitter. Criteria: ACMG Guidelines, 2015. Collection method: clinical testing. Allele origin: germline.
Comment: The WRN c.1105C>T variant is predicted to result in premature protein termination (p.Arg369*). This variant, also known as 1336 Arg Stp 368 and c.1336C>T (R369X), has been reported to be causative for Werner Syndrome (Oshima et al. 1996. PubMed ID: 8968742; Moser et al. 2000. PubMed ID: 10606667). It is reported in 0.087% of alleles in individuals of Ashkenazi Jewish descent in gnomAD and is classified as pathogenic in the ClinVar database (Variation ID: 5449). Nonsense variants in WRN are expected to be pathogenic. This variant is interpreted as pathogenic.

OLLIN Analises Genomicas, OLLIN
Classification: Pathogenic. Last evaluated: 2026-08-06. Review status: criteria provided, single submitter. Criteria: ACMG Guidelines 2015 PMID 25741868. Collection method: clinical testing. Allele origin: germline.
Comment: This nonsense variant, located in exon 9 (of 35), has been reported in ClinVar (accession VCV001015945.3), in gnomAD with an allele frequency of 0.025%, and in the scientific literature, in compound heterozygosity, in individuals with WRN related disorders (PMID: 9225981, 8968742). This variant introduces a premature stop codon, which is predicted to result in either a truncated protein or degradation of the mRNA via nonsense-mediated decay (NMD). According to the currently available evidence, this variant has been classified as pathogenic (PVS1, PM2_P, PM3_VS).

Labcorp Genetics (formerly Invitae), Labcorp
Classification: Pathogenic for Werner syndrome. Last evaluated: 2026-01-28. Review status: criteria provided, single submitter. Criteria: Invitae Variant Classification Sherloc (09022015). Collection method: clinical testing. Allele origin: germline.
Comment: This sequence change creates a premature translational stop signal (p.Arg369*) in the WRN gene. It is expected to result in an absent or disrupted protein product. Loss-of-function variants in WRN are known to be pathogenic (PMID: 16673358). This variant is present in population databases (rs17847577, gnomAD 0.09%). This premature translational stop signal has been observed in individual(s) with Werner syndrome (PMID: 8968742, 9225981, 16786514, 25182132). This variant is also known as 1336C>T and Arg368*. ClinVar contains an entry for this variant (Variation ID: 5449). For these reasons, this variant has been classified as Pathogenic.

Department of Clinical Genetics, Copenhagen University Hospital, Rigshospitalet
Classification: Likely pathogenic for Werner syndrome. Last evaluated: 2025-11-18. Review status: criteria provided, single submitter. Criteria: ACMG Guidelines, 2015. Collection method: clinical testing. Allele origin: germline. Affected: yes.
Comment: The following ACMG criteria has been used: PVS1; PM3_Very_Strong

Dasa
Classification: Pathogenic. Last evaluated: 2025-07-31. Review status: criteria provided, single submitter. Criteria: DASA Assertion Criteria. Collection method: clinical testing. Allele origin: germline.
Comment: NM_000553.6(WRN):c.1105C>T (p.Arg369Ter) introduces a premature termination codon predicted to result in loss of normal protein function. Loss-of-function is an established mechanism of disease for this gene. This variant has been observed in affected individuals with related phenotype in a genotype context consistent with recessive disease (PMID: 8968742; PMID: 9225981; PMID: 16786514; PMID: 25182132). This variant has been recurrently observed in individuals with related phenotype (PMID: 8968742; PMID: 9225981; PMID: 16786514; PMID: 25182132). Segregation evidence has been reported in affected families. The variant is present at low frequency in population datasets. Based on the available data, this variant is classified as pathogenic.

Fulgent Genetics
Classification: Pathogenic for Werner syndrome. Last evaluated: 2024-05-13. Review status: criteria provided, single submitter. Criteria: ACMG Guidelines, 2015. Collection method: clinical testing. Allele origin: germline.

Baylor Genetics
Classification: Pathogenic for Werner syndrome. Last evaluated: 2024-03-30. Review status: criteria provided, single submitter. Criteria: ACMG Guidelines, 2015. Collection method: clinical testing. Allele origin: unknown.

Blueprint Genetics
Classification: Pathogenic for WRN-related disorders. Last evaluated: 2024-02-05. Review status: criteria provided, single submitter. Criteria: ACMG Guidelines, 2015. Collection method: clinical testing. Allele origin: germline. Affected: yes. Observed: 5 variant alleles.

Revvity Omics, Revvity
Classification: Pathogenic for Werner syndrome. Last evaluated: 2023-02-10. Review status: criteria provided, single submitter. Criteria: ACMG Guidelines, 2015. Collection method: clinical testing. Allele origin: germline.

GeneDx
Classification: Pathogenic. Last evaluated: 2022-02-01. Review status: criteria provided, single submitter. Criteria: GeneDx Variant Classification Process June 2021. Collection method: clinical testing. Allele origin: germline. Affected: yes.
Comment: Nonsense variant predicted to result in protein truncation or nonsense mediated decay in a gene for which loss-of-function is a known mechanism of disease; This variant is associated with the following publications: (PMID: 31921681, 9225981, 25525159, 8968742, 27153395, 29753700, 16673358, 25182132, 25390333, 16786514, 29625052, 26689913, 31263571, 31589614, 32041611, 33077847, 33087645)

Women's Health and Genetics/Laboratory Corporation of America, LabCorp
Classification: Pathogenic for Werner syndrome. Last evaluated: 2021-09-02. Review status: criteria provided, single submitter. Criteria: LabCorp Variant Classification Summary - May 2015. Collection method: clinical testing. Allele origin: germline.
Comment: Variant summary: WRN c.1105C>T (p.Arg369X) results in a premature termination codon, predicted to cause a truncation of the encoded protein or absence of the protein due to nonsense mediated decay, which are commonly known mechanisms for disease. Truncations downstream of this position have been classified as pathogenic by our laboratory. The variant allele was found at a frequency of 0.00017 in 250884 control chromosomes. This frequency is not significantly higher than expected for a pathogenic variant in WRN causing Werner Syndrome (0.00017 vs 0.0025), allowing no conclusion about variant significance. c.1105C>T has been reported in the literature in multiple individuals affected with Werner Syndrome. These data indicate that the variant is very likely to be associated with disease. Five clinical diagnostic laboratories have submitted clinical-significance assessments for this variant to ClinVar after 2014 without evidence for independent evaluation. All laboratories classified the variant as pathogenic/likely pathogenic. Based on the evidence outlined above, the variant was classified as pathogenic.

Laboratory for Molecular Medicine, Mass General Brigham Personalized Medicine
Classification: Pathogenic for Werner syndrome. Last evaluated: 2018-10-04. Review status: criteria provided, single submitter. Criteria: LMM Criteria. Collection method: clinical testing. Allele origin: germline. Inheritance: Autosomal recessive inheritance. Observed: 1 variant allele.
Comment: The p.Arg369X variant in WRN has been reported in >20 homozygous or compound het erozygous individuals with Werner syndrome and has been reported to be the most common variant in Caucasian patients with Werner syndrome (Oshima 1996, Matsumot o 1997, Uhrhammer 2006, Huang 2006). This variant has been identified in 0.02% ( 52/276580) of chromosomes from the general population by the Genome Aggregation Database (gnomAD) and is reported in ClinVar (Variation ID: 5449). This nonsense variant leads to a premature termination cod on at position 369, which is predicted to lead to a truncated or absent protein. Heterozygous loss of function of the WRN gene is an established disease mechani sm in individuals with Werner syndrome. In summary, this variant meets criteria to be classified as pathogenic for Werner syndrome in an autosomal recessive man ner based upon presence in affected individuals and predicted impact to the prot ein. ACMG/AMP Criteria applied: PVS1, PM3_VeryStrong.

St. Jude Molecular Pathology, St. Jude Children's Research Hospital
Classification: Likely pathogenic for Medulloblastoma. Last evaluated: 2018-05-10. Review status: criteria provided, single submitter. Criteria: ACMG Guidelines, 2015. Collection method: clinical testing. Allele origin: germline. Affected: yes.
Comment: This is a nonsene alteration in which a C is replaced by a T at coding nucleotide 1105 and is predicted to change an Arginine to a premature stop codon at amino acid codon 369. Classification criteria: PVS1, PM2

Juno Genomics, Hangzhou Juno Genomics, Inc
Classification: Pathogenic for Werner syndrome. Review status: criteria provided, single submitter. Criteria: ACMG Guidelines, 2015. Collection method: clinical testing. Allele origin: germline.
Comment: Absent from controls (or at extremely low frequency if recessive) in Genome Aggregation Database.;Null variant in a gene where loss of function (LOF) is a known mechanism of disease.;For recessive disorders, detected in trans with a pathogenic variant.;Patient's phenotype or family history is highly specific for a disease with a single genetic etiology.;Co-segregation with disease in multiple affected family members.

OMIM
Classification: Pathogenic for WERNER SYNDROME. Last evaluated: 1997-07-01. Review status: no assertion criteria provided. Collection method: literature only. Allele origin: germline. Not counted in ClinVar's aggregate classification.

GeneReviews
No classification provided. Condition: Werner syndrome. Review status: no classification provided. Collection method: literature only. Allele origin: germline. Not counted in ClinVar's aggregate classification.
Comment: Most common pathogenic variant worldwide; accounts for 20%-25% of pathogenic variants in the European and Japanese populations.

Genome Diagnostics Laboratory, Amsterdam University Medical Center
Classification: Pathogenic. Review status: no assertion criteria provided. Collection method: clinical testing. Allele origin: germline. Affected: yes. Study: VKGL Data-share Consensus. Not counted in ClinVar's aggregate classification.

Joint Genome Diagnostic Labs from Nijmegen and Maastricht, Radboudumc and MUMC+
Classification: Pathogenic. Review status: no assertion criteria provided. Collection method: clinical testing. Allele origin: germline. Affected: yes. Study: VKGL Data-share Consensus. Not counted in ClinVar's aggregate classification.

Literature cited by the submitters: PubMed 9225981 (cited by 6 submitters); PubMed 8968742 (cited by 6 submitters); PubMed 16673358 (cited by 3 submitters); PubMed 16786514 (cited by 4 submitters); PubMed 25182132 (cited by 3 submitters); PubMed 25390333 (cited by Laboratory for Molecular Medicine, Mass General Brigham Personalized Medicine); PubMed 27667302 (cited by GeneReviews); PubMed 20301687 (cited by GeneReviews).